The following is an entry in ClinVar:

ClinVar aggregate classification (germline): Pathogenic (1 of 4 stars; one submission).

Conditions:
Developmental and epileptic encephalopathy, 12 (DEE12). Identifiers: MedGen C3150988, MONDO:0013389, OMIM 613722.

Submission:

Labcorp Genetics (formerly Invitae), Labcorp
Classification: Pathogenic for Developmental and epileptic encephalopathy, 12. Last evaluated: 2019-07-01. Review status: criteria provided, single submitter. Criteria: Invitae Variant Classification Sherloc (09022015). Collection method: clinical testing. Allele origin: germline.
Comment: This variant has not been reported in the literature in individuals with PNKP-related conditions. For these reasons, this variant has been classified as Pathogenic. This variant disrupts the C-terminus of the PNKP protein. Other variant(s) that disrupt this region (p.Gln517*) have been determined to be pathogenic (PMID:30039206). This suggests that variants that disrupt this region of the protein are likely to be causative of disease. This variant is not present in population databases (ExAC no frequency). This sequence change results in a premature translational stop signal in the PNKP gene (p.Ser475Argfs*18). While this is not anticipated to result in nonsense mediated decay, it is expected to disrupt the last 47 amino acids of the PNKP protein.

Literature cited by the submitters: PubMed 30039206.

NM_007254.4(PNKP):c.1422_1423del (p.Ser475fs)

Gene: PNKP (polynucleotide kinase 3'-phosphatase; minus strand). Cytogenetic location: 19q13.33.
Variant type: Microsatellite.
Coding change: c.1422_1423del on transcript NM_007254.4 (MANE Select); coding-DNA positions 1422 to 1423, 2 bases deleted (GT; older notation c.1422_1423delGT).
Protein change: p.Ser475fs; shifts the reading frame from serine 475.
Molecular consequence: frameshift variant.
Genome position (GRCh38, 1-based): chr19:49,861,474-49,861,475, AC deleted on the plus strand (GT on the coding strand, the reverse complement: PNKP is on the minus strand); deleting any 2 consecutive bases within chr19:49,861,474-49,861,477 gives the same sequence; the c. name uses the placement nearest the transcript's 3' end. VCF-style (leftmost placement, unchanged base first): chr19-49861473-GAC-G. GRCh37 (hg19) VCF-style: chr19-50364730-GAC-G.
Other names: short protein forms S475fs.
Identifiers: ClinVar variation 951982 (VCV000951982.10), dbSNP rs2074757362, ClinGen allele CA2340622020.
Genomic context (GRCh38, chr19:49,861,473, plus strand): 5'-GCCAGTGCCCCTGCCCCCTGCTATCCCCAACAGTACCTGTAGCCATACATGACCATGTCT[GAC>G]ACGGGGATATGAGAGGAGTCCGTCATCTCTCGAAACTGTGGGGAACATCAGAGGGGCGGC-3'